The following is an entry in ClinVar:

NM_004656.4(BAP1):c.1976A>G (p.Lys659Arg)

Gene: BAP1 (BRCA1 associated deubiquitinase 1; minus strand). Cytogenetic location: 3p21.1.
Variant type: single nucleotide variant.
Coding change: c.1976A>G on transcript NM_004656.4 (MANE Select); coding-DNA position 1976, A replaced by G.
Protein change: p.Lys659Arg; replaces lysine 659 with arginine.
Molecular consequence: missense variant.
Genome position (GRCh38, 1-based): chr3:52,402,786, T>C on the plus strand (A>G on the coding strand, the complement: BAP1 is on the minus strand). VCF-style: chr3-52402786-T-C. GRCh37 (hg19) VCF-style: chr3-52436802-T-C.
Other names: c.1922A>G, p.Lys641Arg (NM_001410772.1); short protein forms K641R, K659R.
Identifiers: ClinVar variation 1783708 (VCV001783708.10), dbSNP rs2153226288, ClinGen allele CA353096477.

ClinVar aggregate classification (germline): Uncertain significance. Review status: criteria provided, multiple submitters, no conflicts (2 of 4 stars). 3 submissions from 3 submitters: Uncertain significance (3). Last evaluated 2025-10-09.

Conditions:
Hereditary cancer-predisposing syndrome. Also called: Neoplastic Syndromes, Hereditary; Tumor predisposition; Hereditary Cancer Syndrome; Hereditary neoplastic syndrome. Identifiers: Orphanet 140162, MedGen C0027672, MeSH D009386, MONDO:0015356.
BAP1-related tumor predisposition syndrome (TPDS1). Also called: Tumor susceptibility linked to germline BAP1 mutations; BAP1 tumor predisposition syndrome; COMMON Syndrome; TUMOR PREDISPOSITION SYNDROME 1. Identifiers: Orphanet 289539, MedGen C3280492, MONDO:0013692, OMIM 614327.

Submissions (3):

Labcorp Genetics (formerly Invitae), Labcorp
Classification: Uncertain significance for BAP1-related tumor predisposition syndrome. Last evaluated: 2025-10-09. Review status: criteria provided, single submitter. Criteria: Invitae Variant Classification Sherloc (09022015). Collection method: clinical testing. Allele origin: germline.
Comment: This sequence change replaces lysine, which is basic and polar, with arginine, which is basic and polar, at codon 659 of the BAP1 protein (p.Lys659Arg). This variant is not present in population databases (gnomAD no frequency). This variant has not been reported in the literature in individuals affected with BAP1-related conditions. ClinVar contains an entry for this variant (Variation ID: 1783708). Invitae Evidence Modeling of protein sequence and biophysical properties (such as structural, functional, and spatial information, amino acid conservation, physicochemical variation, residue mobility, and thermodynamic stability) indicates that this missense variant is not expected to disrupt BAP1 protein function with a negative predictive value of 80%. In summary, the available evidence is currently insufficient to determine the role of this variant in disease. Therefore, it has been classified as a Variant of Uncertain Significance.

Center for Genomic Medicine, Rigshospitalet, Copenhagen University Hospital
Classification: Uncertain significance. Last evaluated: 2025-03-04. Review status: criteria provided, single submitter. Criteria: ACMG Guidelines, 2015. Collection method: clinical testing. Allele origin: germline.

Ambry Genetics
Classification: Uncertain significance for Hereditary cancer-predisposing syndrome. Last evaluated: 2024-07-24. Review status: criteria provided, single submitter. Criteria: Ambry Variant Classification Scheme 2023. Collection method: clinical testing. Allele origin: germline.
Comment: The p.K659R variant (also known as c.1976A>G), located in coding exon 15 of the BAP1 gene, results from an A to G substitution at nucleotide position 1976. The lysine at codon 659 is replaced by arginine, an amino acid with highly similar properties. This amino acid position is conserved. In addition, this alteration is predicted to be tolerated by in silico analysis. Based on the available evidence, the clinical significance of this variant remains unclear.